The following is an entry in ClinVar:

ClinVar aggregate classification (germline): Uncertain significance (1 of 4 stars; one submission).

Allele frequency attached by ClinVar (database versions not stated): gnomAD exomes below 0.00001; ExAC 0.00001.
gnomAD v4.1: 1 of 1,614,264 alleles (0.000062%); highest among the groups gnomAD compares: Non-Finnish European, 0.000085%; no homozygotes.

Submission:

Pediatric Department, Xiangya Hospital, Central South University
Classification: Uncertain significance. Review status: criteria provided, single submitter. Criteria: ACMG Guidelines, 2015. Collection method: clinical testing. Allele origin: maternal. Inheritance: Autosomal recessive inheritance. Affected: yes. Observed: 2 compound heterozygotes. Clinical features observed: Generalized myoclonic seizure, Intention tremor, Neurodevelopmental delay.
Comment: This variant was observed in compound heterozygosity with variant (c.2682+5G>A)

NM_020745.4(AARS2):c.331G>C (p.Ala111Pro)

Gene: AARS2 (alanyl-tRNA synthetase 2, mitochondrial; minus strand). Cytogenetic location: 6p21.1.
Variant type: single nucleotide variant.
Coding change: c.331G>C on transcript NM_020745.4 (MANE Select); coding-DNA position 331, G replaced by C.
Protein change: p.Ala111Pro; replaces alanine 111 with proline.
Molecular consequence: missense variant.
Genome position (GRCh38, 1-based): chr6:44,312,176, C>G on the plus strand (G>C on the coding strand, the complement: AARS2 is on the minus strand). VCF-style: chr6-44312176-C-G. GRCh37 (hg19) VCF-style: chr6-44279913-C-G.
Other names: short protein forms A111P.
Identifiers: ClinVar variation 1802986 (VCV001802986.1), dbSNP rs780964802, ClinGen allele CA3834684.